The following is an entry in ClinVar:

ClinVar aggregate classification (germline): Uncertain significance. Review status: criteria provided, single submitter (1 of 4 stars). 2 submissions from 2 submitters: Uncertain significance (1). 1 of the submissions does not count toward it. Last evaluated 2024-02-19.

Conditions:
Abetalipoproteinaemia (ABL). Also called: Abetalipoproteinemia; Abetalipoproteinemia neuropathy; Apolipoprotein B deficiency; Congenital betalipoprotein deficiency syndrome; MTP DEFICIENCY. Identifiers: Orphanet 14, MedGen C0000744, MONDO:0008692, OMIM 200100, HP:0008181.

Submissions (2):

Labcorp Genetics (formerly Invitae), Labcorp
Classification: Uncertain significance. Last evaluated: 2024-02-19. Review status: criteria provided, single submitter. Criteria: Invitae Variant Classification Sherloc (09022015). Collection method: clinical testing. Allele origin: germline.
Comment: This sequence change replaces methionine, which is neutral and non-polar, with valine, which is neutral and non-polar, at codon 877 of the MTTP protein (p.Met877Val). This variant is not present in population databases (gnomAD no frequency). This variant has not been reported in the literature in individuals affected with MTTP-related conditions. ClinVar contains an entry for this variant (Variation ID: 970450). Advanced modeling of protein sequence and biophysical properties (such as structural, functional, and spatial information, amino acid conservation, physicochemical variation, residue mobility, and thermodynamic stability) has been performed at Invitae for this missense variant, however the output from this modeling did not meet the statistical confidence thresholds required to predict the impact of this variant on MTTP protein function. Experimental studies have shown that this missense change does not substantially affect MTTP function (PMID: 8533758). Algorithms developed to predict the effect of sequence changes on RNA splicing suggest that this variant may create or strengthen a splice site. In summary, the available evidence is currently insufficient to determine the role of this variant in disease. Therefore, it has been classified as a Variant of Uncertain Significance.

Natera, Inc.
Classification: Uncertain significance for Abetalipoproteinemia. Last evaluated: 2020-07-08. Review status: no assertion criteria provided. Collection method: clinical testing. Allele origin: germline. Not counted in ClinVar's aggregate classification.

Literature cited by the submitters: PubMed 8533758 (cited by Labcorp Genetics (formerly Invitae), Labcorp).

NM_001386140.1(MTTP):c.2629A>G (p.Met877Val)

Gene: MTTP (microsomal triglyceride transfer protein; plus strand). Cytogenetic location: 4q23.
Variant type: single nucleotide variant.
Coding change: c.2629A>G on transcript NM_001386140.1 (MANE Select); coding-DNA position 2629, A replaced by G.
Protein change: p.Met877Val; replaces methionine 877 with valine.
Molecular consequence: missense variant.
Genome position (GRCh38, 1-based): chr4:99,622,792, A>G. VCF-style: chr4-99622792-A-G. GRCh37 (hg19) VCF-style: chr4-100543949-A-G.
Other names: c.2629A>G, p.Met877Val (NM_000253.4); c.2380A>G, p.Met794Val (NM_001300785.2); short protein forms M877V, M794V.
Identifiers: ClinVar variation 970450 (VCV000970450.7), dbSNP rs1726272076, ClinGen allele CA357520584.